The following is an entry in ClinVar:

NM_001267550.2(TTN):c.86623G>A (p.Ala28875Thr)

Genes: TTN (titin; minus strand), TTN-AS1 (TTN antisense RNA 1; plus strand). Cytogenetic location: 2q31.2.
Variant type: single nucleotide variant.
Coding change: c.86623G>A on transcript NM_001267550.2 (MANE Select); coding-DNA position 86623, G replaced by A.
Protein change: p.Ala28875Thr; replaces alanine 28875 with threonine.
Molecular consequence: missense variant.
Genome position (GRCh38, 1-based): chr2:178,559,509, C>T on the plus strand (G>A on the coding strand, the complement: TTN is on the minus strand). VCF-style: chr2-178559509-C-T. GRCh37 (hg19) VCF-style: chr2-179424236-C-T.
Other names: c.86623G>A (LRG_391t1); c.81700G>A, p.Ala27234Thr (NM_001256850.1); c.59428G>A, p.Ala19810Thr (NM_003319.4); c.78919G>A, p.Ala26307Thr (NM_133378.4); c.59803G>A, p.Ala19935Thr (NM_133432.3); c.60004G>A, p.Ala20002Thr (NM_133437.4); short protein forms A28875T, A19810T, A20002T, A27234T, A19935T, A26307T.
Identifiers: ClinVar variation 586904 (VCV000586904.3), dbSNP rs762472705, ClinGen allele CA1988464.

ClinVar aggregate classification (germline): Uncertain significance. Review status: criteria provided, multiple submitters, no conflicts (2 of 4 stars). 2 submissions from 2 submitters: Uncertain significance (2). Last evaluated 2026-04-14.

Conditions:
TTN-related disorder. Also called: TTN-related condition; TTN-related disease; TTN-related disorders.

Allele frequency attached by ClinVar (database versions not stated): ExAC 0.00002; gnomAD exomes 0.00002 and 0.00004; gnomAD 0.00007; TOPMed 0.00008.
gnomAD v4.1: 21 of 1,613,656 alleles (0.0013%); highest among the groups gnomAD compares: Admixed American, 0.028%; no homozygotes.

Submissions (2):

PreventionGenetics, part of Exact Sciences
Classification: Uncertain significance for TTN-related condition. Last evaluated: 2026-04-14. Review status: criteria provided, single submitter. Criteria: ACMG Guidelines, 2015. Collection method: clinical testing. Allele origin: germline.
Comment: The TTN c.86623G>A variant is predicted to result in the amino acid substitution p.Ala28875Thr. To our knowledge, this variant has not been reported in the literature. This variant is reported in 0.017% of alleles in individuals of Latino descent in gnomAD. At this time, the clinical significance of this variant is uncertain due to the absence of conclusive functional and genetic evidence.

Athena Diagnostics
Classification: Uncertain significance. Last evaluated: 2018-04-27. Review status: criteria provided, single submitter. Criteria: Athena Diagnostics Criteria. Collection method: clinical testing. Allele origin: germline.